The following is an entry in ClinVar:

ClinVar aggregate classification (germline): Likely benign. Review status: criteria provided, multiple submitters, no conflicts (2 of 4 stars). 3 submissions from 3 submitters: Likely benign (3). Last evaluated 2024-11-18.

Allele frequency attached by ClinVar (database versions not stated): gnomAD exomes 0.00001 and 0.00002; ExAC 0.00002; TOPMed 0.00002.
gnomAD v4.1: 4 of 1,614,198 alleles (0.00025%); highest among the groups gnomAD compares: Admixed American, 0.005%; no homozygotes.

Submissions (3):

Labcorp Genetics (formerly Invitae), Labcorp
Classification: Likely benign. Last evaluated: 2024-11-18. Review status: criteria provided, single submitter. Criteria: Invitae Variant Classification Sherloc (09022015). Collection method: clinical testing. Allele origin: germline.

Blueprint Genetics
Classification: Likely benign. Last evaluated: 2019-09-26. Review status: criteria provided, single submitter. Criteria: ACMG Guidelines, 2015. Collection method: clinical testing. Allele origin: germline.

GeneDx
Classification: Likely benign. Last evaluated: 2016-12-12. Review status: criteria provided, single submitter. Criteria: GeneDx Variant Classification (06012015). Collection method: clinical testing. Allele origin: germline. Affected: yes.
Comment: This variant is considered likely benign or benign based on one or more of the following criteria: it is a conservative change, it occurs at a poorly conserved position in the protein, it is predicted to be benign by multiple in silico algorithms, and/or has population frequency not consistent with disease.

NM_001852.4(COL9A2):c.577-18C>T

Gene: COL9A2 (collagen type IX alpha 2 chain; minus strand). Cytogenetic location: 1p34.2.
Variant type: single nucleotide variant.
Coding change: c.577-18C>T on transcript NM_001852.4 (MANE Select); 18 bases into the intron before coding-DNA position 577, C replaced by T.
Molecular consequence: intron variant.
Genome position (GRCh38, 1-based): chr1:40,311,164, G>A on the plus strand (C>T on the coding strand, the complement: COL9A2 is on the minus strand). VCF-style: chr1-40311164-G-A. GRCh37 (hg19) VCF-style: chr1-40776836-G-A.
Identifiers: ClinVar variation 391544 (VCV000391544.6), dbSNP rs779055482, ClinGen allele CA791846.